The following is an entry in ClinVar:

ClinVar aggregate classification (germline): Conflicting classifications of pathogenicity. Review status: criteria provided, conflicting classifications (1 of 4 stars). 3 submissions from 3 submitters: Uncertain significance (2); Likely benign (1). Last evaluated 2024-12-16.

Conditions:
Adams-Oliver syndrome 5 (AOS5). Identifiers: Orphanet 974, MedGen C4014970, MONDO:0014459, OMIM 616028.
Familial thoracic aortic aneurysm and aortic dissection (TAAD). Also called: Thoracic aortic aneurysms and dissections. Identifiers: Orphanet 91387, MedGen C4707243, MONDO:0019625.

gnomAD v4.1: 2 of 1,613,040 alleles (0.00012%); highest among the groups gnomAD compares: Non-Finnish European, 0.00017%; no homozygotes.

Submissions (3):

GeneDx
Classification: Uncertain significance. Last evaluated: 2024-12-16. Review status: criteria provided, single submitter. Criteria: GeneDx Variant Classification Process June 2021. Collection method: clinical testing. Allele origin: germline. Affected: yes.
Comment: Not observed at significant frequency in large population cohorts (gnomAD); In silico analysis indicates that this missense variant does not alter protein structure/function; Has not been previously published as pathogenic or benign to our knowledge

Labcorp Genetics (formerly Invitae), Labcorp
Classification: Likely benign for Adams-Oliver syndrome 5. Last evaluated: 2024-09-06. Review status: criteria provided, single submitter. Criteria: Invitae Variant Classification Sherloc (09022015). Collection method: clinical testing. Allele origin: germline.

Ambry Genetics
Classification: Uncertain significance for Familial thoracic aortic aneurysm and aortic dissection. Last evaluated: 2022-04-09. Review status: criteria provided, single submitter. Criteria: Ambry Variant Classification Scheme 2023. Collection method: clinical testing. Allele origin: germline.
Comment: The p.D740Y variant (also known as c.2218G>T), located in coding exon 14 of the NOTCH1 gene, results from a G to T substitution at nucleotide position 2218. The aspartic acid at codon 740 is replaced by tyrosine, an amino acid with highly dissimilar properties. This amino acid position is conserved. In addition, the in silico prediction for this alteration is inconclusive. Since supporting evidence is limited at this time, the clinical significance of this alteration remains unclear.

NM_017617.5(NOTCH1):c.2218G>T (p.Asp740Tyr)

Gene: NOTCH1 (notch receptor 1; minus strand). Cytogenetic location: 9q34.3.
Variant type: single nucleotide variant.
Coding change: c.2218G>T on transcript NM_017617.5 (MANE Select); coding-DNA position 2218, G replaced by T.
Protein change: p.Asp740Tyr; replaces aspartic acid 740 with tyrosine.
Molecular consequence: missense variant.
Genome position (GRCh38, 1-based): chr9:136,513,527, C>A on the plus strand (G>T on the coding strand, the complement: NOTCH1 is on the minus strand). VCF-style: chr9-136513527-C-A. GRCh37 (hg19) VCF-style: chr9-139407979-C-A.
Other names: short protein forms D740Y.
Identifiers: ClinVar variation 1787871 (VCV001787871.8), dbSNP rs200816814, ClinGen allele CA375557375.
Genomic context (GRCh38, chr9:136,513,527, plus strand): 5'-TGGATTCACACTCATTGTTGTTGATGTCACAGTTGGTCCCACTCCACCCAGGGTCACAGT[C>A]GCACTTGTACCTGCAAGGGGGACCACACTGCAGGTCGAGGGAGGCCCGAGCAGCACGGCC-3'
Protein context (NP_060087.3, residues 730-750): CRDSLNGYKC[Asp740Tyr]CDPGWSGTNC